The following is an entry in ClinVar:

ClinVar aggregate classification (germline): Uncertain significance. Review status: criteria provided, multiple submitters, no conflicts (2 of 4 stars). 3 submissions from 3 submitters: Uncertain significance (3). Last evaluated 2024-11-02.

Conditions:
Hereditary cancer-predisposing syndrome. Also called: Tumor predisposition; Neoplastic Syndromes, Hereditary; Hereditary Cancer Syndrome; Hereditary neoplastic syndrome. Identifiers: Orphanet 140162, MedGen C0027672, MeSH D009386, MONDO:0015356.
Hereditary diffuse gastric adenocarcinoma (HDGC). Also called: DIFFUSE GASTRIC AND LOBULAR BREAST CANCER SYNDROME. Identifiers: Orphanet 26106, MedGen C1708349, MONDO:0007648, OMIM 137215.

Allele frequency attached by ClinVar (database versions not stated): gnomAD exomes 0.00001; ExAC 0.00002.
gnomAD v4.1: 3 of 1,614,202 alleles (0.00019%); highest among the groups gnomAD compares: South Asian, 0.0011%; no homozygotes.

Submissions (3):

Labcorp Genetics (formerly Invitae), Labcorp
Classification: Uncertain significance for Hereditary diffuse gastric adenocarcinoma. Last evaluated: 2024-11-02. Review status: criteria provided, single submitter. Criteria: Invitae Variant Classification Sherloc (09022015). Collection method: clinical testing. Allele origin: germline.
Comment: This sequence change replaces serine, which is neutral and polar, with cysteine, which is neutral and slightly polar, at codon 844 of the CDH1 protein (p.Ser844Cys). This variant is present in population databases (rs761400928, gnomAD 0.002%). This variant has not been reported in the literature in individuals affected with CDH1-related conditions. ClinVar contains an entry for this variant (Variation ID: 629926). An algorithm developed to predict the effect of missense changes on protein structure and function (PolyPhen-2) suggests that this variant is likely to be disruptive. In summary, the available evidence is currently insufficient to determine the role of this variant in disease. Therefore, it has been classified as a Variant of Uncertain Significance.

Color Diagnostics, LLC DBA Color Health
Classification: Uncertain significance for Hereditary cancer-predisposing syndrome. Last evaluated: 2023-12-05. Review status: criteria provided, single submitter. Criteria: ACMG Guidelines, 2015. Collection method: clinical testing. Allele origin: germline.
Comment: This missense variant replaces serine with cysteine at codon 844 of the CDH1 protein. To our knowledge, functional studies have not been reported for this variant. This variant has not been reported in individuals affected with CDH1-related disorders in the literature. This variant has been identified in 2/251488 chromosomes in the general population by the Genome Aggregation Database (gnomAD). The available evidence is insufficient to determine the role of this variant in disease conclusively. Therefore, this variant is classified as a Variant of Uncertain Significance.

Mendelics
Classification: Uncertain significance. Last evaluated: 2022-05-04. Review status: criteria provided, single submitter. Criteria: Mendelics Assertion Criteria 2019. Collection method: clinical testing. Allele origin: germline.

NM_004360.5(CDH1):c.2530A>T (p.Ser844Cys)

Gene: CDH1 (cadherin 1; plus strand). Cytogenetic location: 16q22.1.
Variant type: single nucleotide variant.
Coding change: c.2530A>T on transcript NM_004360.5 (MANE Select); coding-DNA position 2530, A replaced by T.
Protein change: p.Ser844Cys; replaces serine 844 with cysteine.
Molecular consequence: missense variant.
Genome position (GRCh38, 1-based): chr16:68,833,380, A>T. VCF-style: chr16-68833380-A-T. GRCh37 (hg19) VCF-style: chr16-68867283-A-T.
Other names: c.2347A>T, p.Ser783Cys (NM_001317184.2); c.982A>T, p.Ser328Cys (NM_001317185.2); c.565A>T, p.Ser189Cys (NM_001317186.2); short protein forms S844C, S328C, S783C, S189C.
Identifiers: ClinVar variation 629926 (VCV000629926.8), dbSNP rs761400928, ClinGen allele CA8130306.